The following is an entry in ClinVar:

NM_020812.4(DOCK6):c.4174G>T (p.Val1392Phe)

Genes: DOCK6 (dedicator of cytokinesis 6; minus strand), DOCK6-AS1 (DOCK6 antisense RNA 1; plus strand). Cytogenetic location: 19p13.2.
Variant type: single nucleotide variant.
Coding change: c.4174G>T on transcript NM_020812.4 (MANE Select); coding-DNA position 4174, G replaced by T.
Protein change: p.Val1392Phe; replaces valine 1392 with phenylalanine.
Molecular consequence: missense variant.
Genome position (GRCh38, 1-based): chr19:11,214,582, C>A on the plus strand (G>T on the coding strand, the complement: DOCK6 is on the minus strand). VCF-style: chr19-11214582-C-A. GRCh37 (hg19) VCF-style: chr19-11325258-C-A.
Other names: c.4279G>T, p.Val1427Phe (NM_001367830.1); short protein forms V1392F, V1427F.
Identifiers: ClinVar variation 1718272 (VCV001718272.6), dbSNP rs2512997124, ClinGen allele CA404084023.

ClinVar aggregate classification (germline): Uncertain significance (1 of 4 stars; one submission).

Submission:

Labcorp Genetics (formerly Invitae), Labcorp
Classification: Uncertain significance. Last evaluated: 2022-10-14. Review status: criteria provided, single submitter. Criteria: Invitae Variant Classification Sherloc (09022015). Collection method: clinical testing. Allele origin: germline.
Comment: In summary, the available evidence is currently insufficient to determine the role of this variant in disease. Therefore, it has been classified as a Variant of Uncertain Significance. Advanced modeling of protein sequence and biophysical properties (such as structural, functional, and spatial information, amino acid conservation, physicochemical variation, residue mobility, and thermodynamic stability) performed at Invitae indicates that this missense variant is not expected to disrupt DOCK6 protein function. This variant has not been reported in the literature in individuals affected with DOCK6-related conditions. This variant is not present in population databases (gnomAD no frequency). This sequence change replaces valine, which is neutral and non-polar, with phenylalanine, which is neutral and non-polar, at codon 1392 of the DOCK6 protein (p.Val1392Phe).